The following is an entry in ClinVar:

ClinVar aggregate classification (germline): Uncertain significance (1 of 4 stars; one submission).

Conditions:
Evans syndrome, immunodeficiency, and premature immunosenescence associated with tripeptidyl-peptidase II deficiency. Identifiers: MedGen CN231723. Disease mechanism: loss of function.

Allele frequency attached by ClinVar (database versions not stated): gnomAD 0.00001; TOPMed 0.00001; gnomAD exomes 0.00022; ExAC 0.00025.
gnomAD v4.1: 132 of 1,612,648 alleles (0.0082%); highest among the groups gnomAD compares: South Asian, 0.14%; 2 homozygotes.

Submission:

Labcorp Genetics (formerly Invitae), Labcorp
Classification: Uncertain significance for Evans syndrome, immunodeficiency, and premature immunosenescence associated with tripeptidyl-peptidase II deficiency. Last evaluated: 2022-02-24. Review status: criteria provided, single submitter. Criteria: Invitae Variant Classification Sherloc (09022015). Collection method: clinical testing. Allele origin: germline.
Comment: This sequence change replaces proline, which is neutral and non-polar, with serine, which is neutral and polar, at codon 621 of the TPP2 protein (p.Pro621Ser). This variant is present in population databases (rs766911372, gnomAD 0.2%). This variant has not been reported in the literature in individuals affected with TPP2-related conditions. Algorithms developed to predict the effect of missense changes on protein structure and function (SIFT, PolyPhen-2, Align-GVGD) all suggest that this variant is likely to be tolerated. In summary, the available evidence is currently insufficient to determine the role of this variant in disease. Therefore, it has been classified as a Variant of Uncertain Significance.

NM_001330588.2(TPP2):c.1861C>T (p.Pro621Ser)

Gene: TPP2 (tripeptidyl peptidase 2; plus strand). Cytogenetic location: 13q33.1.
Variant type: single nucleotide variant.
Coding change: c.1861C>T on transcript NM_001330588.2 (MANE Select); coding-DNA position 1861, C replaced by T.
Protein change: p.Pro621Ser; replaces proline 621 with serine.
Molecular consequence: missense variant. On other transcripts: non-coding transcript variant (1).
Genome position (GRCh38, 1-based): chr13:102,638,263, C>T. VCF-style: chr13-102638263-C-T. GRCh37 (hg19) VCF-style: chr13-103290613-C-T.
Other names: c.1861C>T, p.Pro621Ser (NM_001367947.1, NM_003291.4); short protein forms P621S.
Identifiers: ClinVar variation 1409775 (VCV001409775.5), dbSNP rs766911372, ClinGen allele CA7037852.